The following is an entry in ClinVar:

ClinVar aggregate classification (germline): Uncertain significance. Review status: criteria provided, multiple submitters, no conflicts (2 of 4 stars). 2 submissions from 2 submitters: Uncertain significance (2). Last evaluated 2025-03-23.

Conditions:
Familial thoracic aortic aneurysm and aortic dissection (TAAD). Also called: Thoracic aortic aneurysms and dissections. Identifiers: Orphanet 91387, MedGen C4707243, MONDO:0019625.

Submissions (2):

GeneDx
Classification: Uncertain significance. Last evaluated: 2025-03-23. Review status: criteria provided, single submitter. Criteria: GeneDx Variant Classification Process June 2021. Collection method: clinical testing. Allele origin: germline. Affected: yes.
Comment: Not observed at significant frequency in large population cohorts (gnomAD); In silico analysis supports that this missense variant has a deleterious effect on protein structure/function; Has not been previously published as pathogenic or benign to our knowledge

Ambry Genetics
Classification: Uncertain significance for Familial thoracic aortic aneurysm and aortic dissection. Last evaluated: 2022-05-15. Review status: criteria provided, single submitter. Criteria: Ambry Variant Classification Scheme 2023. Collection method: clinical testing. Allele origin: germline.
Comment: The p.R51S variant (also known as c.153G>T), located in coding exon 1 of the CBS gene, results from a G to T substitution at nucleotide position 153. The arginine at codon 51 is replaced by serine, an amino acid with dissimilar properties. This amino acid position is conserved. In addition, the in silico prediction for this alteration is inconclusive. Since supporting evidence is limited at this time, the clinical significance of this alteration remains unclear.

NM_000071.3(CBS):c.153G>T (p.Arg51Ser)

Gene: CBS (cystathionine beta-synthase; minus strand). Cytogenetic location: 21q22.3.
Variant type: single nucleotide variant.
Coding change: c.153G>T on transcript NM_000071.3 (MANE Select); coding-DNA position 153, G replaced by T.
Protein change: p.Arg51Ser; replaces arginine 51 with serine.
Molecular consequence: missense variant.
Genome position (GRCh38, 1-based): chr21:43,072,041, C>A on the plus strand (G>T on the coding strand, the complement: CBS is on the minus strand). VCF-style: chr21-43072041-C-A. GRCh37 (hg19) VCF-style: chr21-44492151-C-A.
Other names: c.153G>T, p.Arg51Ser (NM_001178008.3, NM_001178009.3, NM_001320298.2); short protein forms R51S.
Identifiers: ClinVar variation 1774824 (VCV001774824.3), dbSNP rs748795053, ClinGen allele CA410602336.